The following is an entry in ClinVar:

NM_000238.4(KCNH2):c.2350C>G (p.Arg784Gly)

Gene: KCNH2 (potassium voltage-gated channel subfamily H member 2; minus strand). Cytogenetic location: 7q36.1.
Variant type: single nucleotide variant.
Coding change: c.2350C>G on transcript NM_000238.4 (MANE Select); coding-DNA position 2350, C replaced by G.
Protein change: p.Arg784Gly; replaces arginine 784 with glycine.
Molecular consequence: missense variant. On other transcripts: non-coding transcript variant (2).
Genome position (GRCh38, 1-based): chr7:150,950,216, G>C on the plus strand (C>G on the coding strand, the complement: KCNH2 is on the minus strand). VCF-style: chr7-150950216-G-C. GRCh37 (hg19) VCF-style: chr7-150647304-G-C.
Other names: c.1330C>G, p.Arg444Gly (NM_001204798.2, NM_172057.3); c.2062C>G, p.Arg688Gly (NM_001406753.1, NM_001406756.1); c.2173C>G, p.Arg725Gly (NM_001406755.1); c.2050C>G, p.Arg684Gly (NM_001406757.1); c.2350C>G, p.Arg784Gly (NM_172056.3); short protein forms R725G, R444G, R688G, R684G, R784G.
Identifiers: ClinVar variation 4714477 (VCV004714477.1).

ClinVar aggregate classification (germline): Uncertain significance (1 of 4 stars; one submission).

Conditions:
Long QT syndrome (LQTS). Identifiers: MedGen C0023976, MeSH D008133, MONDO:0002442. Disease mechanism: loss of function. Inheritance: Various modes of inheritance.

gnomAD v4.1: 1 of 1,612,520 alleles (0.000062%); highest among the groups gnomAD compares: East Asian, 0.0022%; no homozygotes.

Submission:

Labcorp Genetics (formerly Invitae), Labcorp
Classification: Uncertain significance for Long QT syndrome. Last evaluated: 2025-03-06. Review status: criteria provided, single submitter. Criteria: Invitae Variant Classification Sherloc (09022015). Collection method: clinical testing. Allele origin: germline.
Comment: This sequence change replaces arginine, which is basic and polar, with glycine, which is neutral and non-polar, at codon 784 of the KCNH2 protein (p.Arg784Gly). This variant is not present in population databases (gnomAD no frequency). This variant has not been reported in the literature in individuals affected with KCNH2-related conditions. An algorithm developed to predict the effect of missense changes on protein structure and function (PolyPhen-2) suggests that this variant is likely to be disruptive. In summary, the available evidence is currently insufficient to determine the role of this variant in disease. Therefore, it has been classified as a Variant of Uncertain Significance.